The following is an entry in ClinVar:

NM_021975.4(RELA):c.818G>A (p.Arg273Gln)

Gene: RELA (RELA proto-oncogene, NF-kB subunit; minus strand). Cytogenetic location: 11q13.1.
Variant type: single nucleotide variant.
Coding change: c.818G>A on transcript NM_021975.4 (MANE Select); coding-DNA position 818, G replaced by A.
Protein change: p.Arg273Gln; replaces arginine 273 with glutamine.
Molecular consequence: missense variant.
Genome position (GRCh38, 1-based): chr11:65,658,346, C>T on the plus strand (G>A on the coding strand, the complement: RELA is on the minus strand). VCF-style: chr11-65658346-C-T. GRCh37 (hg19) VCF-style: chr11-65425817-C-T.
Other names: c.809G>A, p.Arg270Gln (NM_001145138.2); c.818G>A, p.Arg273Gln (NM_001243984.2, NM_001243985.2); short protein forms R273Q, R270Q.
Identifiers: ClinVar variation 1380711 (VCV001380711.6), dbSNP rs778642588, ClinGen allele CA6106794.

ClinVar aggregate classification (germline): Uncertain significance (1 of 4 stars; one submission).

Allele frequency attached by ClinVar (database versions not stated): ExAC 0.00001; gnomAD 0.00001 and 0.00002; gnomAD exomes 0.00001 and 0.00003; TOPMed 0.00001.
gnomAD v4.1: 46 of 1,613,006 alleles (0.0029%); highest among the groups gnomAD compares: Non-Finnish European, 0.0034%; no homozygotes.

Submission:

Labcorp Genetics (formerly Invitae), Labcorp
Classification: Uncertain significance. Last evaluated: 2022-11-01. Review status: criteria provided, single submitter. Criteria: Invitae Variant Classification Sherloc (09022015). Collection method: clinical testing. Allele origin: germline.
Comment: Algorithms developed to predict the effect of missense changes on protein structure and function (SIFT, PolyPhen-2, Align-GVGD) all suggest that this variant is likely to be tolerated. ClinVar contains an entry for this variant (Variation ID: 1380711). This variant has not been reported in the literature in individuals affected with RELA-related conditions. The frequency data for this variant in the population databases is considered unreliable, as metrics indicate poor data quality at this position in the gnomAD database. This sequence change replaces arginine, which is basic and polar, with glutamine, which is neutral and polar, at codon 273 of the RELA protein (p.Arg273Gln). In summary, the available evidence is currently insufficient to determine the role of this variant in disease. Therefore, it has been classified as a Variant of Uncertain Significance.